The following is an entry in ClinVar:

ClinVar aggregate classification (germline): Uncertain significance (1 of 4 stars; one submission).

Conditions:
Familial thoracic aortic aneurysm and aortic dissection (TAAD). Also called: Thoracic aortic aneurysms and dissections. Identifiers: Orphanet 91387, MedGen C4707243, MONDO:0019625.

Submission:

Color Diagnostics, LLC DBA Color Health
Classification: Uncertain significance for Familial thoracic aortic aneurysm and aortic dissection. Last evaluated: 2024-03-06. Review status: criteria provided, single submitter. Criteria: ACMG Guidelines, 2015. Collection method: clinical testing. Allele origin: germline.
Comment: This missense variant replaces serine with asparagine at codon 824 of the FBN1 protein. Computational prediction suggests that this variant may not impact protein structure and function (internally defined REVEL score threshold <= 0.5, PMID: 27666373). To our knowledge, functional studies have not been reported for this variant. This variant has not been reported in individuals affected with cardiovascular disorders in the literature. This variant has not been identified in the general population by the Genome Aggregation Database (gnomAD). The available evidence is insufficient to determine the role of this variant in disease conclusively. Therefore, this variant is classified as a Variant of Uncertain Significance.

NM_000138.5(FBN1):c.2471G>A (p.Ser824Asn)

Gene: FBN1 (fibrillin 1; minus strand). Cytogenetic location: 15q21.1.
Variant type: single nucleotide variant.
Coding change: c.2471G>A on transcript NM_000138.5 (MANE Select); coding-DNA position 2471, G replaced by A.
Protein change: p.Ser824Asn; replaces serine 824 with asparagine.
Molecular consequence: missense variant.
Genome position (GRCh38, 1-based): chr15:48,495,537, C>T on the plus strand (G>A on the coding strand, the complement: FBN1 is on the minus strand). VCF-style: chr15-48495537-C-T. GRCh37 (hg19) VCF-style: chr15-48787734-C-T.
Other names: c.2471G>A, p.Ser824Asn (NM_001406716.1); short protein forms S824N.
Identifiers: ClinVar variation 2773375 (VCV002773375.2), dbSNP rs2505571998, ClinGen allele CA392334526.